The following is an entry in ClinVar:

ClinVar aggregate classification (germline): Conflicting classifications of pathogenicity. Review status: criteria provided, conflicting classifications (1 of 4 stars). 5 submissions from 5 submitters: Uncertain significance (3); Likely benign (1). 1 of the submissions does not count toward it. Last evaluated 2025-12-09.

Conditions:
Fanconi anemia (FA). Also called: Fanconi's anemia. Identifiers: Orphanet 84, MedGen C0015625, MeSH D005199, MONDO:0019391.
Fanconi anemia complementation group A (FANCA). Also called: FANCA-Related Fanconi Anemia; Fanconi anemia, group A. Identifiers: Orphanet 84, MedGen C3469521, MONDO:0009215, OMIM 227650.
Inborn genetic diseases. Identifiers: MedGen C0950123, MeSH D030342.

Allele frequency attached by ClinVar (database versions not stated): ExAC 0.00001; gnomAD exomes 0.00001; TOPMed 0.00002; gnomAD 0.00007 and 0.00009.
gnomAD v4.1: 22 of 1,614,130 alleles (0.0014%); highest among the groups gnomAD compares: African/African-American, 0.012%; no homozygotes.

Submissions (5):

Ambry Genetics
Classification: Uncertain significance for Inborn genetic diseases. Last evaluated: 2025-12-09. Review status: criteria provided, single submitter. Criteria: Ambry Variant Classification Scheme 2023. Collection method: clinical testing. Allele origin: germline.

Labcorp Genetics (formerly Invitae), Labcorp
Classification: Likely benign for Fanconi anemia. Last evaluated: 2025-10-03. Review status: criteria provided, single submitter. Criteria: Invitae Variant Classification Sherloc (09022015). Collection method: clinical testing. Allele origin: germline.

Fulgent Genetics
Classification: Uncertain significance for Fanconi anemia complementation group A. Last evaluated: 2024-05-24. Review status: criteria provided, single submitter. Criteria: ACMG Guidelines, 2015. Collection method: clinical testing. Allele origin: germline.

Quest Diagnostics Nichols Institute San Juan Capistrano
Classification: Uncertain significance. Last evaluated: 2023-05-09. Review status: criteria provided, single submitter. Criteria: Quest Diagnostics criteria. Collection method: clinical testing. Allele origin: unknown.
Comment: To the best of our knowledge, this variant has not been reported in the published literature. The frequency of this variant in the general population, 0.00012 (3/24970 chromosomes), is uninformative in assessment of its pathogenicity. Analysis of this variant using bioinformatics tools for the prediction of the effect of amino acid changes on protein structure and function yielded predictions that this variant is benign. Based on the available information, we are unable to determine the clinical significance of this variant.

Natera, Inc.
Classification: Uncertain significance for Fanconi anemia. Last evaluated: 2020-02-03. Review status: no assertion criteria provided. Collection method: clinical testing. Allele origin: germline. Not counted in ClinVar's aggregate classification.

NM_000135.4(FANCA):c.2662G>A (p.Val888Ile)

Genes: FANCA (FA complementation group A; minus strand), LOC130059837 (ATAC-STARR-seq lymphoblastoid active region 11420; plus strand). Cytogenetic location: 16q24.3.
Variant type: single nucleotide variant.
Coding change: c.2662G>A on transcript NM_000135.4 (MANE Select); coding-DNA position 2662, G replaced by A.
Protein change: p.Val888Ile; replaces valine 888 with isoleucine.
Molecular consequence: missense variant.
Genome position (GRCh38, 1-based): chr16:89,765,006, C>T on the plus strand (G>A on the coding strand, the complement: FANCA is on the minus strand). VCF-style: chr16-89765006-C-T. GRCh37 (hg19) VCF-style: chr16-89831414-C-T.
Other names: c.2662G>A, p.Val888Ile (NM_001286167.3); c.2662G>A (NM_000135.3); short protein forms V888I.
Identifiers: ClinVar variation 935831 (VCV000935831.14), dbSNP rs774863156, ClinGen allele CA8251600.